The following is an entry in ClinVar:

NM_017654.4(SAMD9):c.4571A>C (p.Gln1524Pro)

Gene: SAMD9 (sterile alpha motif domain containing 9; minus strand). Cytogenetic location: 7q21.2.
Variant type: single nucleotide variant.
Coding change: c.4571A>C on transcript NM_017654.4 (MANE Select); coding-DNA position 4571, A replaced by C.
Protein change: p.Gln1524Pro; replaces glutamine 1524 with proline.
Molecular consequence: missense variant.
Genome position (GRCh38, 1-based): chr7:93,101,527, T>G on the plus strand (A>C on the coding strand, the complement: SAMD9 is on the minus strand). VCF-style: chr7-93101527-T-G. GRCh37 (hg19) VCF-style: chr7-92730840-T-G.
Other names: c.4571A>C, p.Gln1524Pro (NM_001193307.2); short protein forms Q1524P.
Identifiers: ClinVar variation 4863763 (VCV004863763.1).
Genomic context (GRCh38, chr7:93,101,527, plus strand): 5'-CCATATTCTATATATAAACAATTGTTTTCAGCTCGACCTTGTAAACGAAGCAAAAGTTCT[T>G]GGACTTTTTCCTCCTTCCACACATCTCCACTCTGCCACAAGGAATTAATATCTGGTGTCT-3'
Protein context (NP_060124.2, residues 1514-1534): SGDVWKEEKV[Gln1524Pro]ELLLRLQGRA

ClinVar aggregate classification (germline): Uncertain significance (1 of 4 stars; one submission).

Conditions:
Inborn genetic diseases. Identifiers: MedGen C0950123, MeSH D030342.

Submission:

Ambry Genetics
Classification: Uncertain significance for Inborn genetic diseases. Last evaluated: 2026-03-21. Review status: criteria provided, single submitter. Criteria: Ambry Variant Classification Scheme 2023. Collection method: clinical testing. Allele origin: germline.
Comment: The p.Q1524P variant (also known as c.4571A>C), located in coding exon 1 of the SAMD9 gene, results from an A to C substitution at nucleotide position 4571. The glutamine at codon 1524 is replaced by proline, an amino acid with similar properties. This amino acid position is conserved. In addition, this alteration is predicted to be tolerated by in silico analysis. Based on the available evidence, the clinical significance of this variant remains unclear.